The following is an entry in ClinVar:

NM_000238.4(KCNH2):c.1903A>G (p.Asn635Asp)

Gene: KCNH2 (potassium voltage-gated channel subfamily H member 2; minus strand). Cytogenetic location: 7q36.1.
Variant type: single nucleotide variant.
Coding change: c.1903A>G on transcript NM_000238.4 (MANE Select); coding-DNA position 1903, A replaced by G.
Protein change: p.Asn635Asp; replaces asparagine 635 with aspartic acid.
Molecular consequence: missense variant.
Genome position (GRCh38, 1-based): chr7:150,951,490, T>C on the plus strand (A>G on the coding strand, the complement: KCNH2 is on the minus strand). VCF-style: chr7-150951490-T-C. GRCh37 (hg19) VCF-style: chr7-150648578-T-C.
Other names: c.1903A>G (LRG_288t1); c.883A>G, p.Asn295Asp (NM_001204798.2, NM_172057.3); c.1615A>G, p.Asn539Asp (NM_001406753.1, NM_001406756.1); c.1726A>G, p.Asn576Asp (NM_001406755.1); c.1603A>G, p.Asn535Asp (NM_001406757.1); c.1903A>G, p.Asn635Asp (NM_172056.3); short protein forms N295D, N635D, N576D, N535D, N539D.
Identifiers: ClinVar variation 67326 (VCV000067326.4), dbSNP rs199472963, ClinGen allele CA005928.

ClinVar aggregate classification (germline): Likely pathogenic. Review status: criteria provided, single submitter (1 of 4 stars). 2 submissions from 2 submitters: Likely pathogenic (1). 1 of the submissions does not count toward it. Last evaluated 2017-09-22.

Conditions:
KCNH2-related disorder. Also called: KCNH2-related disorders; KCNH2-related condition.
Familial long QT syndrome (RWS). Also called: Congenital long QT syndrome; Romano-Ward syndrome; VENTRICULAR FIBRILLATION WITH PROLONGED QT INTERVAL. Identifiers: Orphanet 768, MedGen C1141890, MONDO:0019171.

Submissions (2):

Blueprint Genetics
Classification: Likely pathogenic for KCNH2-related disorders. Last evaluated: 2017-09-22. Review status: criteria provided, single submitter. Criteria: ACMG Guidelines, 2015. Collection method: clinical testing. Allele origin: germline. Affected: yes. Observed: 1 variant allele.

Cardiovascular Biomedical Research Unit, Royal Brompton & Harefield NHS Foundation Trust
No classification provided. Condition: Familial long QT syndrome. Review status: no classification provided. Collection method: literature only. Allele origin: germline. Not counted in ClinVar's aggregate classification.
Comment: This variant has been reported as associated with Long QT syndrome in the following publications (PMID:19716085). This is a literature report, and does not necessarily reflect the clinical interpretation of the Imperial College / Royal Brompton Cardiovascular Genetics laboratory.

Literature cited by the submitters: PubMed 19716085 (cited by Cardiovascular Biomedical Research Unit, Royal Brompton & Harefield NHS Foundation Trust); PubMed 22581653 (cited by Cardiovascular Biomedical Research Unit, Royal Brompton & Harefield NHS Foundation Trust).